The following is an entry in ClinVar:

NM_006306.4(SMC1A):c.2205del (p.Lys736fs)

Gene: SMC1A (structural maintenance of chromosomes 1A; minus strand). Cytogenetic location: Xp11.22.
Variant type: Deletion.
Coding change: c.2205del on transcript NM_006306.4 (MANE Select); coding-DNA position 2205, one base deleted (C; older notation c.2205delC).
Protein change: p.Lys736fs; shifts the reading frame from lysine 736.
Molecular consequence: frameshift variant.
Genome position (GRCh38, 1-based): chrX:53,403,885, G deleted on the plus strand (C on the coding strand, the reverse complement: SMC1A is on the minus strand); the first of 2 consecutive G bases (chrX:53,403,885-53,403,886); deleting either gives the same sequence. VCF-style (leftmost placement, unchanged base first): chrX-53403884-TG-T. GRCh37 (hg19) VCF-style: chrX-53430816-TG-T.
Other names: c.2139del, p.Lys714fs (NM_001281463.1); short protein forms K714fs, K736fs.
Identifiers: ClinVar variation 4813483 (VCV004813483.1).

ClinVar aggregate classification (germline): Likely pathogenic (1 of 4 stars; one submission).

Conditions:
Congenital muscular hypertrophy-cerebral syndrome (CDLS2). Also called: SMC1A-Related Cornelia de Lange Syndrome; Cornelia de Lange syndrome 2. Identifiers: Orphanet 199, MedGen C1802395, MONDO:0010370, OMIM 300590.

Submission:

MVZ Praenatalmedizin und Genetik Nuernberg
Classification: Likely pathogenic for Congenital muscular hypertrophy-cerebral syndrome. Last evaluated: 2023-11-13. Review status: criteria provided, single submitter. Criteria: ACMG Guidelines, 2015. Collection method: clinical testing. Allele origin: unknown. Affected: yes.
Comment: This variant leads to a shift in the reading frame and thus probably to the premature degradation of the mRNA (nonsense-mediated decay) or the premature truncation of the protein (p.(Lys736Serfs*6)). This change has not yet been described in the population-based database gnomAD, the ClinVar database, or the literature. Truncating variants in this gene (including many downstream of the variant located here) are described as a possible pathomechanism for SMC1A-associated diseases. In summary, based on the current data, we assess this to be a likely pathogenic genetic alteration.